The following is an entry in ClinVar:

ClinVar aggregate classification (germline): Uncertain significance. Review status: criteria provided, multiple submitters, no conflicts (2 of 4 stars). 2 submissions from 2 submitters: Uncertain significance (2). Last evaluated 2024-04-17.

Conditions:
Inborn genetic diseases. Identifiers: MedGen C0950123, MeSH D030342.

Allele frequency attached by ClinVar (database versions not stated): 1000 Genomes Project 0.00020; TOPMed 0.00001; 1000 Genomes Project 30x 0.00016.
gnomAD v4.1: 65 of 1,614,080 alleles (0.004%); highest among the groups gnomAD compares: South Asian, 0.054%; no homozygotes.

Submissions (2):

Ambry Genetics
Classification: Uncertain significance for Inborn genetic diseases. Last evaluated: 2024-04-17. Review status: criteria provided, single submitter. Criteria: Ambry Variant Classification Scheme 2023. Collection method: clinical testing. Allele origin: germline.

GeneDx
Classification: Uncertain significance. Last evaluated: 2015-05-11. Review status: criteria provided, single submitter. Criteria: GeneDx Variant Classification (06012015). Collection method: clinical testing. Allele origin: germline. Affected: yes.
Comment: A variant of unknown significance has been identified in the MCPH1 gene. The Y415S variant has not been published as a pathogenic variant, nor has it been reported as a benign polymorphism to our knowledge. It was not observed in approximately 6,100 individuals of European and African American ancestry in the NHLBI Exome Sequencing Project, indicating it is not a common benign variant in these populations. The 1000 Genomes Project reports Y415S was observed in 1/182 control alleles from individuals of English background. The Y415S variant is a semi-conservative amino acid substitution, which may impact secondary protein structure as these residues differ in some properties, and this substitution occurs at a position that is conserved across species. However, missense mutations in nearby residues have not been reported in the Human Gene Mutation Database in association with MCPH1-related disorders(Stenson et al., 2014) and in silico analysis is inconsistent in its predictions as to whether or not the variant is damaging to the protein structure/function. Therefore, based on the currently available information, it is unclear whether this variant is a pathogenic variant or a rare benign variant.

NM_024596.5(MCPH1):c.1244A>C (p.Tyr415Ser)

Gene: MCPH1 (microcephalin 1; plus strand). Cytogenetic location: 8p23.1.
Variant type: single nucleotide variant.
Coding change: c.1244A>C on transcript NM_024596.5 (MANE Select); coding-DNA position 1244, A replaced by C.
Protein change: p.Tyr415Ser; replaces tyrosine 415 with serine.
Molecular consequence: missense variant. On other transcripts: non-coding transcript variant (1).
Genome position (GRCh38, 1-based): chr8:6,444,966, A>C. VCF-style: chr8-6444966-A-C. GRCh37 (hg19) VCF-style: chr8-6302487-A-C.
Other names: c.1244A>C, p.Tyr415Ser (NM_001172574.2, NM_001322042.2, NM_001363979.1 and 1 more transcripts); c.1100A>C, p.Tyr367Ser (NM_001172575.2); c.1238A>C, p.Tyr413Ser (NM_001322043.2); c.1142A>C, p.Tyr381Ser (NM_001322045.2); short protein forms Y415S, Y381S, Y413S, Y367S.
Identifiers: ClinVar variation 449218 (VCV000449218.3), dbSNP rs199724219, ClinGen allele CA4610503.